The following is an entry in ClinVar:

NM_212552.3(BOLA3):c.170-10T>A

Gene: BOLA3 (bolA family member 3; minus strand). Cytogenetic location: 2p13.1.
Variant type: single nucleotide variant.
Coding change: c.170-10T>A on transcript NM_212552.3 (MANE Select); 10 bases into the intron before coding-DNA position 170, T replaced by A.
Molecular consequence: intron variant.
Genome position (GRCh38, 1-based): chr2:74,142,370, A>T on the plus strand (T>A on the coding strand, the complement: BOLA3 is on the minus strand). VCF-style: chr2-74142370-A-T. GRCh37 (hg19) VCF-style: chr2-74369497-A-T.
Other names: c.169+2819T>A (NM_001035505.2).
Identifiers: ClinVar variation 4856186 (VCV004856186.1).

ClinVar aggregate classification (germline): Uncertain significance (1 of 4 stars; one submission).

Conditions:
Multiple mitochondrial dysfunctions syndrome 2 (MMDS2). Also called: MULTIPLE MITOCHONDRIAL DYSFUNCTIONS SYNDROME 2 WITH HYPERGLYCINEMIA. Identifiers: Orphanet 401874, MedGen C3280378, MONDO:0013675, OMIM 614299.

gnomAD v4.1: 12 of 1,599,300 alleles (0.00075%); highest among the groups gnomAD compares: Non-Finnish European, 0.001%; no homozygotes.

Submission:

3billion
Classification: Uncertain significance for Multiple mitochondrial dysfunctions syndrome 2. Last evaluated: 2026-01-25. Review status: criteria provided, single submitter. Criteria: ACMG Guidelines, 2015. Collection method: clinical testing. Allele origin: germline. Affected: yes.
Comment: The variant is observed at an extremely low frequency in the gnomAD v4.1.0 dataset (total allele frequency: <0.001%). Predicted Consequence/Location: Intron variant In silico tools predict the variant to alter splicing and produce an abnormal transcript [SpliceAI: 0.25 (>=0.2, moderate evidence for spliceogenicity)]. The variant has been reported to be associated with BOLA3-related disorder (PMID: 39492283). However, the evidence of pathogenicity is insufficient at this time. Therefore, this variant is classified as VUS according to the recommendation of ACMG/AMP guideline.

Literature cited by the submitters: PubMed 39492283.